The following is an entry in ClinVar:

ClinVar aggregate classification (germline): Benign/Likely benign. Review status: criteria provided, multiple submitters, no conflicts (2 of 4 stars). 3 submissions from 3 submitters: Benign (1); Likely benign (2). Last evaluated 2025-07-17.

Conditions:
Hereditary cancer-predisposing syndrome. Also called: Neoplastic Syndromes, Hereditary; Hereditary Cancer Syndrome; Hereditary neoplastic syndrome; Tumor predisposition. Identifiers: Orphanet 140162, MedGen C0027672, MeSH D009386, MONDO:0015356.
Multiple endocrine neoplasia, type 1 (MEN1). Also called: MEN I; WERMER SYNDROME; Endocrine adenomatosis multiple; MEN 1; MEA I. Identifiers: Orphanet 652, MedGen C0025267, MeSH D018761, MONDO:0007540, OMIM 131100.

Allele frequency attached by ClinVar (database versions not stated): TOPMed below 0.00001; gnomAD 0.00001.
gnomAD v4.1: 3 of 1,614,086 alleles (0.00019%); highest among the groups gnomAD compares: Middle Eastern, 0.016%; no homozygotes.

Submissions (3):

Labcorp Genetics (formerly Invitae), Labcorp
Classification: Likely benign for Multiple endocrine neoplasia, type 1. Last evaluated: 2025-07-17. Review status: criteria provided, single submitter. Criteria: Invitae Variant Classification Sherloc (09022015). Collection method: clinical testing. Allele origin: germline.

Myriad Genetics, Inc.
Classification: Benign for Multiple endocrine neoplasia, type 1. Last evaluated: 2024-11-01. Review status: criteria provided, single submitter. Criteria: Myriad Autosomal Dominant, Autosomal Recessive and X-Linked Classification Criteria (2023). Collection method: clinical testing. Allele origin: unknown.
Comment: This variant is considered benign. This variant is a silent/synonymous amino acid change and it is not expected to impact splicing.

Ambry Genetics
Classification: Likely benign for Hereditary cancer-predisposing syndrome. Last evaluated: 2019-11-07. Review status: criteria provided, single submitter. Criteria: Ambry Variant Classification Scheme 2023. Collection method: clinical testing. Allele origin: germline.

NM_001370259.2(MEN1):c.396C>T (p.Ser132=)

Gene: MEN1 (menin 1; minus strand). Cytogenetic location: 11q13.1.
Variant type: single nucleotide variant.
Coding change: c.396C>T on transcript NM_001370259.2 (MANE Select); coding-DNA position 396, C replaced by T.
Protein change: p.Ser132=; no amino-acid change (serine 132 retained).
Molecular consequence: synonymous variant.
Genome position (GRCh38, 1-based): chr11:64,809,714, G>A on the plus strand (C>T on the coding strand, the complement: MEN1 is on the minus strand). VCF-style: chr11-64809714-G-A. GRCh37 (hg19) VCF-style: chr11-64577186-G-A.
Other names: c.396C>T, p.Ser132= (NM_000244.4, NM_001370251.2, NM_001370260.2 and 9 more transcripts).
Identifiers: ClinVar variation 824442 (VCV000824442.14), dbSNP rs896947172, ClinGen allele CA223916977.